The following is an entry in ClinVar:

NM_001256789.3(CACNA1F):c.1233C>T (p.Ala411=)

Gene: CACNA1F (calcium voltage-gated channel subunit alpha1 F; minus strand). Cytogenetic location: Xp11.23.
Variant type: single nucleotide variant.
Coding change: c.1233C>T on transcript NM_001256789.3 (MANE Select); coding-DNA position 1233, C replaced by T.
Protein change: p.Ala411=; no amino-acid change (alanine 411 retained).
Molecular consequence: synonymous variant.
Genome position (GRCh38, 1-based): chrX:49,227,013, G>A on the plus strand (C>T on the coding strand, the complement: CACNA1F is on the minus strand). VCF-style: chrX-49227013-G-A. GRCh37 (hg19) VCF-style: chrX-49083475-G-A.
Other names: c.1233C>T (NM_005183.3); c.1038C>T, p.Ala346= (NM_001256790.3); c.1233C>T, p.Ala411= (NM_005183.4).
Identifiers: ClinVar variation 1938757 (VCV001938757.7), dbSNP rs782082360, ClinGen allele CA10410929.

ClinVar aggregate classification (germline): Likely benign. Review status: criteria provided, multiple submitters, no conflicts (2 of 4 stars). 3 submissions from 3 submitters: Likely benign (3). Last evaluated 2026-04-04.

Conditions:
CACNA1F-related disorder. Also called: CACNA1F-related condition.

Allele frequency attached by ClinVar (database versions not stated): ExAC 0.00004; TOPMed 0.00004; gnomAD exomes 0.00005; gnomAD 0.00007.
gnomAD v4.1: 66 of 1,209,724 alleles (0.0055%); highest among the groups gnomAD compares: Middle Eastern, 0.023%; no homozygotes.

Submissions (3):

PreventionGenetics, part of Exact Sciences
Classification: Likely benign for CACNA1F-related condition. Last evaluated: 2026-04-04. Review status: criteria provided, single submitter. Criteria: ACMG Guidelines, 2015. Collection method: clinical testing. Allele origin: germline.
Comment: This variant is classified as likely benign based on ACMG/AMP sequence variant interpretation guidelines (Richards et al. 2015 PMID: 25741868, with internal and published modifications).

Labcorp Genetics (formerly Invitae), Labcorp
Classification: Likely benign. Last evaluated: 2025-08-21. Review status: criteria provided, single submitter. Criteria: Invitae Variant Classification Sherloc (09022015). Collection method: clinical testing. Allele origin: germline.

Blueprint Genetics
Classification: Likely benign. Last evaluated: 2024-07-09. Review status: criteria provided, single submitter. Criteria: ACMG Guidelines, 2015. Collection method: clinical testing. Allele origin: germline.